The following is an entry in ClinVar:

NM_025081.3(NYNRIN):c.2356G>A (p.Glu786Lys)

Gene: NYNRIN (NYN domain and retroviral integrase containing; plus strand). Cytogenetic location: 14q12.
Variant type: single nucleotide variant.
Coding change: c.2356G>A on transcript NM_025081.3 (MANE Select); coding-DNA position 2356, G replaced by A.
Protein change: p.Glu786Lys; replaces glutamic acid 786 with lysine.
Molecular consequence: missense variant.
Genome position (GRCh38, 1-based): chr14:24,410,150, G>A. VCF-style: chr14-24410150-G-A. GRCh37 (hg19) VCF-style: chr14-24879356-G-A.
Other names: short protein forms E786K.
Identifiers: ClinVar variation 3203603 (VCV003203603.2), dbSNP rs377683866, ClinGen allele CA7136947.

ClinVar aggregate classification (germline): Uncertain significance. Review status: criteria provided, multiple submitters, no conflicts (2 of 4 stars). 2 submissions from 2 submitters: Uncertain significance (2). Last evaluated 2025-09-15.

Allele frequency attached by ClinVar (database versions not stated): gnomAD exomes 0.00001; ExAC 0.00006; gnomAD 0.00015; ESP Exome Variant Server 0.00016; TOPMed 0.00023.
gnomAD v4.1: 40 of 1,612,948 alleles (0.0025%); highest among the groups gnomAD compares: African/African-American, 0.04%; no homozygotes.

Submissions (2):

Labcorp Genetics (formerly Invitae), Labcorp
Classification: Uncertain significance. Last evaluated: 2025-09-15. Review status: criteria provided, single submitter. Criteria: Invitae Variant Classification Sherloc (09022015). Collection method: clinical testing. Allele origin: germline.
Comment: This sequence change replaces glutamic acid, which is acidic and polar, with lysine, which is basic and polar, at codon 786 of the NYNRIN protein (p.Glu786Lys). This variant is present in population databases (rs377683866, gnomAD 0.07%), and has an allele count higher than expected for a pathogenic variant. This variant has not been reported in the literature in individuals affected with NYNRIN-related conditions. ClinVar contains an entry for this variant (Variation ID: 3203603). Experimental studies and prediction algorithms are not available or were not evaluated, and the functional significance of this variant is currently unknown. In summary, the available evidence is currently insufficient to determine the role of this variant in disease. Therefore, it has been classified as a Variant of Uncertain Significance.

Ambry Genetics
Classification: Uncertain significance. Last evaluated: 2024-03-08. Review status: criteria provided, single submitter. Criteria: Ambry Variant Classification Scheme 2023. Collection method: clinical testing. Allele origin: germline.